The following is an entry in ClinVar:

ClinVar aggregate classification (germline): Uncertain significance (1 of 4 stars; one submission).

Conditions:
CREBBP-related disorder. Also called: CREBBP-related condition; CREBBP-related disorders.

Submission:

3billion
Classification: Uncertain significance for CREBBP-related disorder. Last evaluated: 2025-02-18. Review status: criteria provided, single submitter. Criteria: ACMG Guidelines, 2015. Collection method: clinical testing. Allele origin: germline. Affected: yes.
Comment: The variant is not observed in the gnomAD v4.1.0 dataset. Predicted Consequence/Location: Missense variant In silico tool predictions suggest damaging effect of the variant on gene or gene product [REVEL: 0.84 (>=0.6, sensitivity 0.68 and specificity 0.92)]. Therefore, this variant is classified as VUS according to the recommendation of ACMG/AMP guideline.

NM_004380.3(CREBBP):c.4654A>T (p.Ser1552Cys)

Gene: CREBBP (CREB binding lysine acetyltransferase; minus strand). Cytogenetic location: 16p13.3.
Variant type: single nucleotide variant.
Coding change: c.4654A>T on transcript NM_004380.3 (MANE Select); coding-DNA position 4654, A replaced by T.
Protein change: p.Ser1552Cys; replaces serine 1552 with cysteine.
Molecular consequence: missense variant.
Genome position (GRCh38, 1-based): chr16:3,736,110, T>A on the plus strand (A>T on the coding strand, the complement: CREBBP is on the minus strand). VCF-style: chr16-3736110-T-A. GRCh37 (hg19) VCF-style: chr16-3786111-T-A.
Other names: c.4540A>T, p.Ser1514Cys (NM_001079846.1); short protein forms S1514C, S1552C.
Identifiers: ClinVar variation 4293569 (VCV004293569.1).